The following is an entry in ClinVar:

ClinVar aggregate classification (germline): Uncertain significance. Review status: criteria provided, multiple submitters, no conflicts (2 of 4 stars). 2 submissions from 2 submitters: Uncertain significance (2). Last evaluated 2026-04-11.

Conditions:
Gorlin syndrome. Also called: Nevoid Basal Cell Carcinoma Syndrome; Basal cell nevus syndrome. Identifiers: Orphanet 377, MedGen C0004779, MONDO:0007187.
Medulloblastoma (MDB). Also called: Medulloblastoma, somatic; MEDULLOBLASTOMA PREDISPOSITION SYNDROME. Identifiers: Orphanet 616, MedGen C0025149, MeSH D008527, MONDO:0007959, OMIM 155255, HP:0002885.
Hereditary cancer-predisposing syndrome. Also called: Hereditary Cancer Syndrome; Hereditary neoplastic syndrome; Neoplastic Syndromes, Hereditary; Tumor predisposition. Identifiers: Orphanet 140162, MedGen C0027672, MeSH D009386, MONDO:0015356.

Submissions (2):

Ambry Genetics
Classification: Uncertain significance for Hereditary cancer-predisposing syndrome. Last evaluated: 2026-04-11. Review status: criteria provided, single submitter. Criteria: Ambry Variant Classification Scheme 2023. Collection method: clinical testing. Allele origin: germline.
Comment: The p.Q307H variant (also known as c.921G>T), located in coding exon 8 of the SUFU gene, results from a G to T substitution at nucleotide position 921. The glutamine at codon 307 is replaced by histidine, an amino acid with highly similar properties. This amino acid position is conserved. In addition, the in silico prediction for this alteration is inconclusive. Based on the available evidence, the clinical significance of this variant remains unclear.

Labcorp Genetics (formerly Invitae), Labcorp
Classification: Uncertain significance for Gorlin syndrome; Medulloblastoma. Last evaluated: 2024-08-30. Review status: criteria provided, single submitter. Criteria: Invitae Variant Classification Sherloc (09022015). Collection method: clinical testing. Allele origin: germline.
Comment: This sequence change replaces glutamine, which is neutral and polar, with histidine, which is basic and polar, at codon 307 of the SUFU protein (p.Gln307His). This variant is not present in population databases (gnomAD no frequency). This variant has not been reported in the literature in individuals affected with SUFU-related conditions. Invitae Evidence Modeling of protein sequence and biophysical properties (such as structural, functional, and spatial information, amino acid conservation, physicochemical variation, residue mobility, and thermodynamic stability) indicates that this missense variant is not expected to disrupt SUFU protein function with a negative predictive value of 80%. In summary, the available evidence is currently insufficient to determine the role of this variant in disease. Therefore, it has been classified as a Variant of Uncertain Significance.

NM_016169.4(SUFU):c.921G>T (p.Gln307His)

Gene: SUFU (SUFU negative regulator of hedgehog signaling; plus strand). Cytogenetic location: 10q24.32.
Variant type: single nucleotide variant.
Coding change: c.921G>T on transcript NM_016169.4 (MANE Select); coding-DNA position 921, G replaced by T.
Protein change: p.Gln307His; replaces glutamine 307 with histidine.
Molecular consequence: missense variant.
Genome position (GRCh38, 1-based): chr10:102,599,443, G>T. VCF-style: chr10-102599443-G-T. GRCh37 (hg19) VCF-style: chr10-104359200-G-T.
Other names: c.921G>T, p.Gln307His (NM_001178133.2); short protein forms Q307H.
Identifiers: ClinVar variation 3757904 (VCV003757904.3).